The following is an entry in ClinVar:

ClinVar aggregate classification (germline): Uncertain significance (1 of 4 stars; one submission).

Conditions:
Cardiovascular phenotype. Identifiers: MedGen CN230736.

Submission:

Ambry Genetics
Classification: Uncertain significance for Cardiovascular phenotype. Last evaluated: 2018-02-28. Review status: criteria provided, single submitter. Criteria: Ambry Variant Classification Scheme 2023. Collection method: clinical testing. Allele origin: germline.
Comment: The p.F4889C variant (also known as c.14666T>G), located in coding exon 103 of the RYR2 gene, results from a T to G substitution at nucleotide position 14666. The phenylalanine at codon 4889 is replaced by cysteine, an amino acid with highly dissimilar properties. This amino acid position is highly conserved in available vertebrate species. In addition, this alteration is predicted to be deleterious by in silico analysis. Based on internal structural analysis, this variant is more destabilizing in the closed-state structure than a remote pathogenic variant (Matera I et al. J. Struct. Biol., 2010 Jun;170:548-64; Efremov RG et al. Nature, 2015 Jan;517:39-43). Since supporting evidence is limited at this time, the clinical significance of this alteration remains unclear.

Literature cited by the submitters: PubMed 20040374; PubMed 25470059.

NM_001035.3(RYR2):c.14666T>G (p.Phe4889Cys)

Gene: RYR2 (ryanodine receptor 2; plus strand). Cytogenetic location: 1q43.
Variant type: single nucleotide variant.
Coding change: c.14666T>G on transcript NM_001035.3 (MANE Select); coding-DNA position 14666, T replaced by G.
Protein change: p.Phe4889Cys; replaces phenylalanine 4889 with cysteine.
Molecular consequence: missense variant.
Genome position (GRCh38, 1-based): chr1:237,830,540, T>G. VCF-style: chr1-237830540-T-G. GRCh37 (hg19) VCF-style: chr1-237993840-T-G.
Other names: short protein forms F4889C.
Identifiers: ClinVar variation 1773252 (VCV001773252.2), dbSNP rs2102946725, ClinGen allele CA345409653.